The following is an entry in ClinVar:

NM_001849.4(COL6A2):c.1716_1717del (p.Gly573fs)

Gene: COL6A2 (collagen type VI alpha 2 chain; plus strand). Cytogenetic location: 21q22.3.
Variant type: Microsatellite.
Coding change: c.1716_1717del on transcript NM_001849.4 (MANE Select); coding-DNA positions 1716 to 1717, 2 bases deleted (AG; older notation c.1716_1717delAG).
Protein change: p.Gly573fs; shifts the reading frame from glycine 573.
Molecular consequence: frameshift variant.
Genome position (GRCh38, 1-based): chr21:46,124,695-46,124,696, AG deleted; deleting any 2 consecutive bases within chr21:46,124,693-46,124,696 gives the same sequence; the c. name uses the placement nearest the transcript's 3' end. VCF-style (leftmost placement, unchanged base first): chr21-46124692-AAG-A. GRCh37 (hg19) VCF-style: chr21-47544606-AAG-A.
Other names: c.1716_1717del, p.Gly573fs (NM_058174.3, NM_058175.3); short protein forms G573fs.
Identifiers: ClinVar variation 4763706 (VCV004763706.1).

ClinVar aggregate classification (germline): Pathogenic (1 of 4 stars; one submission).

Conditions:
Bethlem myopathy 1A. Also called: Bethlem myopathy 1; Bethlem Muscular Dystrophy; MYOPATHY, BENIGN CONGENITAL, WITH CONTRACTURES. Identifiers: Orphanet 610, MedGen CN029274, MONDO:0024530, OMIM 158810.

Submission:

Labcorp Genetics (formerly Invitae), Labcorp
Classification: Pathogenic for Bethlem myopathy 1A. Last evaluated: 2025-02-12. Review status: criteria provided, single submitter. Criteria: Invitae Variant Classification Sherloc (09022015). Collection method: clinical testing. Allele origin: germline.
Comment: This sequence change creates a premature translational stop signal (p.Gly573Serfs*7) in the COL6A2 gene. It is expected to result in an absent or disrupted protein product. Loss-of-function variants in COL6A2 are known to be pathogenic (PMID: 19884007, 20976770). This variant is not present in population databases (gnomAD no frequency). This variant has not been reported in the literature in individuals affected with COL6A2-related conditions. For these reasons, this variant has been classified as Pathogenic.

Literature cited by the submitters: PubMed 19884007; PubMed 20976770.